The following is an entry in ClinVar:

ClinVar aggregate classification (germline): Likely benign (1 of 4 stars; one submission).

Allele frequency attached by ClinVar (database versions not stated): gnomAD exomes 0.00002; ExAC 0.00004; TOPMed 0.00005; gnomAD 0.00008; 1000 Genomes Project 30x 0.00021; 1000 Genomes Project 0.00026.
gnomAD v4.1: 29 of 1,042,013 alleles (0.0028%); highest among the groups gnomAD compares: South Asian, 0.0074%; no homozygotes.

Submission:

CeGaT Center for Human Genetics Tuebingen
Classification: Likely benign. Last evaluated: 2022-06-01. Review status: criteria provided, single submitter. Criteria: CeGaT Center For Human Genetics Tuebingen Variant Classification Criteria Version 2. Collection method: clinical testing. Allele origin: germline. Affected: yes. Observed: 1 variant allele.
Comment: HAUS7: BP4, BP7

NM_001385482.1(HAUS7):c.969G>A (p.Ala323=)

Gene: HAUS7 (HAUS augmin like complex subunit 7; minus strand). Cytogenetic location: Xq28.
Variant type: single nucleotide variant.
Coding change: c.969G>A on transcript NM_001385482.1 (MANE Select); coding-DNA position 969, G replaced by A.
Protein change: p.Ala323=; no amino-acid change (alanine 323 retained).
Molecular consequence: synonymous variant. On other transcripts: non-coding transcript variant (3).
Genome position (GRCh38, 1-based): chrX:153,454,470, C>T on the plus strand (G>A on the coding strand, the complement: HAUS7 is on the minus strand). VCF-style: chrX-153454470-C-T. GRCh37 (hg19) VCF-style: chrX-152719928-C-T.
Other names: c.1146G>A, p.Ala382= (NM_001385481.1, NM_001385483.1).
Identifiers: ClinVar variation 2661691 (VCV002661691.23), dbSNP rs782411411, ClinGen allele CA10546718.